The following is an entry in ClinVar:

ClinVar aggregate classification (germline): Likely pathogenic (1 of 4 stars; one submission).

Allele frequency attached by ClinVar (database versions not stated): gnomAD exomes below 0.00001.
gnomAD v4.1: 1 of 1,211,168 alleles (0.000083%); highest among the groups gnomAD compares: Non-Finnish European, 0.00011%; no homozygotes.

Submission:

GeneDx
Classification: Likely pathogenic. Last evaluated: 2023-01-10. Review status: criteria provided, single submitter. Criteria: GeneDx Variant Classification Process June 2021. Collection method: clinical testing. Allele origin: germline. Affected: yes.
Comment: Not observed at significant frequency in large population cohorts (gnomAD); In silico analysis supports that this missense variant has a deleterious effect on protein structure/function; Has not been previously published as pathogenic or benign to our knowledge

NM_031407.7(HUWE1):c.12946G>C (p.Gly4316Arg)

Gene: HUWE1 (HECT, UBA and WWE domain containing E3 ubiquitin protein ligase 1; minus strand). Cytogenetic location: Xp11.22.
Variant type: single nucleotide variant.
Coding change: c.12946G>C on transcript NM_031407.7 (MANE Select); coding-DNA position 12946, G replaced by C.
Protein change: p.Gly4316Arg; replaces glycine 4316 with arginine.
Molecular consequence: missense variant.
Genome position (GRCh38, 1-based): chrX:53,534,083, C>G on the plus strand (G>C on the coding strand, the complement: HUWE1 is on the minus strand). VCF-style: chrX-53534083-C-G. GRCh37 (hg19) VCF-style: chrX-53561044-C-G.
Other names: short protein forms G4316R.
Identifiers: ClinVar variation 2136294 (VCV002136294.1), dbSNP rs2521577389, ClinGen allele CA413144171.